The following is an entry in ClinVar:

ClinVar aggregate classification (germline): Likely pathogenic. Review status: reviewed by expert panel (3 of 4 stars). 5 submissions from 5 submitters: Likely pathogenic (1). 4 of the submissions do not count toward it. Last evaluated 2025-09-19.

Conditions:
Hereditary antithrombin deficiency (AT3D). Also called: Reduced antithrombin III activity; Antithrombin III deficiency; Thrombophilia due to antithrombin III deficiency; Antithrombin deficiency. Identifiers: Orphanet 82, MedGen C0272375, MONDO:0013144, OMIM 613118, HP:0001976.

Allele frequency attached by ClinVar (database versions not stated): gnomAD below 0.00001 and 0.00002; gnomAD exomes 0.00001; ExAC 0.00001; TOPMed 0.00002.
gnomAD v4.1: 10 of 1,613,976 alleles (0.00062%); highest among the groups gnomAD compares: East Asian, 0.0089%; no homozygotes.

Submissions (5):

Clingen Thrombosis Variant Curation Expert Panel, ClinGen
Classification: Likely pathogenic for Hereditary antithrombin deficiency. Last evaluated: 2025-09-19. Review status: reviewed by expert panel. Criteria: ClinGen ACMG Specifications SERPINC1 V1.0.0. Collection method: curation. Allele origin: germline. Inheritance: Autosomal dominant inheritance.
Comment: The c.442T>C (NM_000488.4) variant in SERPINC1 is a missense variant predicted to cause substitution of serine by proline at amino acid 148 (p.Ser148Pro). This variant is absent from gnomAD v4.1.0 (PM2_Supporting). The computational predictor REVEL gives a score of 0.654, which is above the threshold of 0.6, evidence that correlates with impact to SERPINC1 function (PP3). At least one patient with this variant displayed an antithrombin activity level of < 0.8 IU/mL and a family history of reduced antithrombin activity levels with reported values, and there are at least 7 additional probands with an antithrombin activity level of < 0.8 IU/mL without a reported family history or repeat testing (PS4; PMIDs: 35720094, 24162787, 31030036, 8443391, 24613695); however, one proband was not applied due to having a second SERPINC1 variant of unknown clinical significance and antithrombin activity levels in the heterozygous range. In summary, this variant meets the criteria to be classified as likely pathogenic for autosomal dominant antithrombin deficiency based on the ACMG/AMP criteria applied, as specified by the ClinGen Thrombosis VCEP: PS4, PP3, PM2_Supporting.

Labcorp Genetics (formerly Invitae), Labcorp
Classification: Pathogenic for Hereditary antithrombin deficiency. Last evaluated: 2024-08-30. Review status: criteria provided, single submitter. Criteria: Invitae Variant Classification Sherloc (09022015). Collection method: clinical testing. Allele origin: germline. Not counted in ClinVar's aggregate classification.
Comment: This sequence change replaces serine, which is neutral and polar, with proline, which is neutral and non-polar, at codon 148 of the SERPINC1 protein (p.Ser148Pro). This variant is present in population databases (rs121909569, gnomAD 0.02%). This missense change has been observed in individual(s) with antithrombin III deficiency (PMID: 24613695, 35720094; internal data). This variant is also known as p.Ser116Pro. ClinVar contains an entry for this variant (Variation ID: 18039). Invitae Evidence Modeling of protein sequence and biophysical properties (such as structural, functional, and spatial information, amino acid conservation, physicochemical variation, residue mobility, and thermodynamic stability) indicates that this missense variant is not expected to disrupt SERPINC1 protein function with a negative predictive value of 80%. For these reasons, this variant has been classified as Pathogenic.

Fulgent Genetics
Classification: Likely pathogenic for Hereditary antithrombin deficiency. Last evaluated: 2022-02-08. Review status: criteria provided, single submitter. Criteria: ACMG Guidelines, 2015. Collection method: clinical testing. Allele origin: unknown. Not counted in ClinVar's aggregate classification.

Juno Genomics, Hangzhou Juno Genomics, Inc
Classification: Likely pathogenic for Hereditary antithrombin deficiency. Review status: criteria provided, single submitter. Criteria: ACMG Guidelines, 2015. Collection method: clinical testing. Allele origin: germline. Not counted in ClinVar's aggregate classification.
Comment: Absent from controls (or at extremely low frequency if recessive) in Genome Aggregation Database.;Multiple lines of computational evidence support a deleterious effect on the gene or gene product.;The prevalence of the variant in affected individuals is significantly increased compared to the prevalence in controls.

OMIM
Classification: Pathogenic for THROMBOPHILIA DUE TO ANTITHROMBIN III DEFICIENCY. Last evaluated: 1993-03-01. Review status: no assertion criteria provided. Collection method: literature only. Allele origin: germline. Not counted in ClinVar's aggregate classification.

Literature cited by the submitters: PubMed 24613695 (cited by Labcorp Genetics (formerly Invitae), Labcorp); PubMed 35720094 (cited by Labcorp Genetics (formerly Invitae), Labcorp); PubMed 8443391 (cited by OMIM).

NM_000488.4(SERPINC1):c.442T>C (p.Ser148Pro)

Gene: SERPINC1 (serpin family C member 1; minus strand). Cytogenetic location: 1q25.1.
Variant type: single nucleotide variant.
Coding change: c.442T>C on transcript NM_000488.4 (MANE Select); coding-DNA position 442, T replaced by C.
Protein change: p.Ser148Pro; replaces serine 148 with proline.
Molecular consequence: missense variant. On other transcripts: intron variant (1).
Genome position (GRCh38, 1-based): chr1:173,911,981, A>G on the plus strand (T>C on the coding strand, the complement: SERPINC1 is on the minus strand). VCF-style: chr1-173911981-A-G. GRCh37 (hg19) VCF-style: chr1-173881119-A-G.
Other names: S116P; NM_000488.4(SERPINC1):c.442T>C; c.298T>C, p.Ser100Pro (NM_001365052.2); c.442T>C, p.Ser148Pro (NM_001386302.1, NM_001386304.1, NM_001386305.1); c.523T>C, p.Ser175Pro (NM_001386303.1); c.409-1090T>C (NM_001386306.1); short protein forms S148P, S100P, S175P.
Identifiers: ClinVar variation 18039 (VCV000018039.10), dbSNP rs121909569, ClinGen allele CA210791.